The following is an entry in ClinVar:

ClinVar aggregate classification (germline): Benign/Likely benign. Review status: criteria provided, multiple submitters, no conflicts (2 of 4 stars). 11 submissions from 10 submitters: Benign (6); Likely benign (4). 1 of the submissions does not count toward it. Last evaluated 2026-01-12.

Conditions:
Dilated cardiomyopathy 1R (CMD1R). Identifiers: Orphanet 154, Orphanet 54260, MedGen C3150681, MONDO:0013261, OMIM 613424.
Hypertrophic cardiomyopathy 11. Also called: ACTC1-Related Familial Hypertrophic Cardiomyopathy. Identifiers: MedGen C2677506, MONDO:0012799, OMIM 612098.
Atrial septal defect 5 (ASD5). Identifiers: Orphanet 1478, MedGen C2748552, MONDO:0013011, OMIM 612794.
ACTC1-related disorder. Also called: ACTC1-related condition.
Cardiomyopathy (CMYO). Also called: Cardiomyopathies. Identifiers: Orphanet 167848, MedGen C0878544, MONDO:0004994, HP:0001638. Inheritance: Various modes of inheritance.
Hypertrophic cardiomyopathy. Also called: HYPERTROPHIC MYOCARDIOPATHY. Identifiers: Orphanet 217569, MedGen C0007194, MeSH D002312, MONDO:0005045, HP:0001639.

Allele frequency attached by ClinVar (database versions not stated): gnomAD below 0.00001 and 0.00005; TOPMed 0.00002; gnomAD exomes 0.00021; ExAC 0.00047.
gnomAD v4.1: 307 of 1,611,136 alleles (0.019%); highest among the groups gnomAD compares: South Asian, 0.32%; 6 homozygotes.

Submissions (11):

Labcorp Genetics (formerly Invitae), Labcorp
Classification: Benign for Dilated cardiomyopathy 1R; Hypertrophic cardiomyopathy 11; Atrial septal defect 5. Last evaluated: 2026-01-12. Review status: criteria provided, single submitter. Criteria: Invitae Variant Classification Sherloc (09022015). Collection method: clinical testing. Allele origin: germline.

CeGaT Center for Human Genetics Tuebingen
Classification: Likely benign. Last evaluated: 2025-11-01. Review status: criteria provided, single submitter. Criteria: CeGaT Center For Human Genetics Tuebingen Variant Classification Criteria Version 2. Collection method: clinical testing. Allele origin: germline. Affected: yes. Observed: 1 variant allele.
Comment: ACTC1: BP4, BS2

Illumina Laboratory Services, Illumina
Classification: Benign for Dilated cardiomyopathy 1R. Last evaluated: 2025-04-08. Review status: criteria provided, single submitter. Criteria: ICSLVariantClassificationCriteria RUGD 01 April 2020. Collection method: clinical testing. Allele origin: unknown.

Illumina Laboratory Services, Illumina
Classification: Benign for Hypertrophic cardiomyopathy 11. Last evaluated: 2025-04-08. Review status: criteria provided, single submitter. Criteria: ICSLVariantClassificationCriteria RUGD 01 April 2020. Collection method: clinical testing. Allele origin: unknown.

Women's Health and Genetics/Laboratory Corporation of America, LabCorp
Classification: Benign. Last evaluated: 2025-02-03. Review status: criteria provided, single submitter. Criteria: LabCorp Variant Classification Summary - May 2015. Collection method: clinical testing. Allele origin: germline.

Blueprint Genetics
Classification: Likely benign. Last evaluated: 2024-11-04. Review status: criteria provided, single submitter. Criteria: ACMG Guidelines, 2015. Collection method: clinical testing. Allele origin: germline.

All of Us Research Program, National Institutes of Health
Classification: Benign for Hypertrophic cardiomyopathy. Last evaluated: 2024-02-05. Review status: criteria provided, single submitter. Criteria: ACMG Guidelines, 2015. Collection method: clinical testing. Allele origin: germline. Inheritance: Autosomal dominant inheritance. Observed: 7 variant alleles, 7 heterozygotes.
Comment: This study involves interpretation of variants in research participants for the purpose of population health screening. Participant phenotype was not available at the time of variant classification. Additional details can be found in publication PMID: 35346344, PMCID: PMC8962531

GeneDx
Classification: Likely benign. Last evaluated: 2021-06-10. Review status: criteria provided, single submitter. Criteria: GeneDx Variant Classification Process June 2021. Collection method: clinical testing. Allele origin: germline. Affected: yes.

Color Diagnostics, LLC DBA Color Health
Classification: Benign for Cardiomyopathy. Last evaluated: 2018-06-04. Review status: criteria provided, single submitter. Criteria: ACMG Guidelines, 2015. Collection method: clinical testing. Allele origin: germline.

CHEO Genetics Diagnostic Laboratory, Children's Hospital of Eastern Ontario
Classification: Likely benign for Cardiomyopathy. Last evaluated: 2017-08-08. Review status: criteria provided, single submitter. Criteria: ACMG Guidelines, 2015. Collection method: clinical testing. Allele origin: germline. Study: Canadian Open Genetics Repository.

PreventionGenetics, part of Exact Sciences
Classification: Likely benign for ACTC1-related condition. Last evaluated: 2020-10-15. Review status: no assertion criteria provided. Collection method: clinical testing. Allele origin: germline. Not counted in ClinVar's aggregate classification.
Comment: This variant is classified as likely benign based on ACMG/AMP sequence variant interpretation guidelines (Richards et al. 2015 PMID: 25741868, with internal and published modifications).

NM_005159.5(ACTC1):c.129+6C>G

Genes: ACTC1 (actin alpha cardiac muscle 1; minus strand), GJD2-DT (GJD2 divergent transcript; plus strand). Cytogenetic location: 15q14.
Variant type: single nucleotide variant.
Coding change: c.129+6C>G on transcript NM_005159.5 (MANE Select); 6 bases into the intron after coding-DNA position 129, C replaced by G.
Molecular consequence: intron variant.
Genome position (GRCh38, 1-based): chr15:34,794,674, G>C on the plus strand (C>G on the coding strand, the complement: ACTC1 is on the minus strand). VCF-style: chr15-34794674-G-C. GRCh37 (hg19) VCF-style: chr15-35086875-G-C.
Other names: c.129+6C>G (LRG_388t1).
Identifiers: ClinVar variation 517958 (VCV000517958.33), dbSNP rs564151494, ClinGen allele CA040951.